The following is an entry in ClinVar:

NM_000059.4(BRCA2):c.4241C>T (p.Thr1414Met)

Gene: BRCA2 (BRCA2 DNA repair associated; plus strand). Cytogenetic location: 13q13.1.
Variant type: single nucleotide variant.
Coding change: c.4241C>T on transcript NM_000059.4 (MANE Select); coding-DNA position 4241, C replaced by T.
Protein change: p.Thr1414Met; replaces threonine 1414 with methionine.
Molecular consequence: missense variant.
Genome position (GRCh38, 1-based): chr13:32,338,596, C>T. VCF-style: chr13-32338596-C-T. GRCh37 (hg19) VCF-style: chr13-32912733-C-T.
Other names: T1414M; 4469 C>T; NP_000050.3:p.Thr1414Met.
Identifiers: ClinVar variation 51616 (VCV000051616.98), dbSNP rs70953664, ClinGen allele CA019759.

ClinVar aggregate classification (germline): Benign. Review status: reviewed by expert panel (3 of 4 stars). 32 submissions from 30 submitters: Benign (1). 31 of the submissions do not count toward it. Last evaluated 2015-01-12.

Conditions:
BRCA2-related cancer predisposition. Identifiers: MedGen CN377758, MONDO:0700269.
Hereditary cancer-predisposing syndrome. Also called: Neoplastic Syndromes, Hereditary; Tumor predisposition; Hereditary Cancer Syndrome; Hereditary neoplastic syndrome. Identifiers: Orphanet 140162, MedGen C0027672, MeSH D009386, MONDO:0015356.
Hereditary breast ovarian cancer syndrome. Also called: Hereditary breast and/or ovarian cancer syndrome; Hereditary breast and ovarian cancer syndrome; Hereditary breast and ovarian cancer; Hereditary breast and ovarian cancer syndrome (HBOC); Breast and ovarian cancer; BRCA1- and BRCA2-Associated Hereditary Breast and Ovarian Cancer. Identifiers: Orphanet 145, MedGen C0677776, MeSH D061325, MONDO:0003582. Disease mechanism: loss of function.
Fanconi anemia complementation group D1. Also called: BRCA2-Related Fanconi Anemia. Identifiers: Orphanet 319462, MedGen C1838457, MONDO:0011584, OMIM 605724.
Breast-ovarian cancer, familial, susceptibility to, 2 (BROVCA2). Also called: BRCA2 Hereditary Breast and Ovarian Cancer. Identifiers: Orphanet 145, MedGen C2675520, MONDO:0012933, OMIM 612555. Disease mechanism: loss of function.
Familial cancer of breast. Also called: Hereditary breast cancer; BREAST CANCER, FAMILIAL; hereditary breast carcinoma. Identifiers: Orphanet 227535, MedGen C0346153, MONDO:0016419, OMIM 114480. Disease mechanism: loss of function.
Malignant tumor of breast. Also called: Malignant breast neoplasm; Cancer breast. Identifiers: MedGen C0006142, MONDO:0007254. Disease mechanism: loss of function.

Allele frequency attached by ClinVar (database versions not stated): gnomAD exomes 0.00021 and 0.00056; ExAC 0.00070; ESP Exome Variant Server 0.00224; 1000 Genomes Project 0.00240; gnomAD 0.00244 and 0.00272; 1000 Genomes Project 30x 0.00265; TOPMed 0.00268.
gnomAD v4.1: 707 of 1,596,150 alleles (0.044%); highest among the groups gnomAD compares: African/African-American, 0.79%; 4 homozygotes.

Submissions 1 to 19 of 32:

Evidence-based Network for the Interpretation of Germline Mutant Alleles (ENIGMA)
Classification: Benign for Breast-ovarian cancer, familial 2. Last evaluated: 2015-01-12. Review status: reviewed by expert panel. Criteria: ENIGMA BRCA1/2 Classification Criteria (2015). Collection method: curation. Allele origin: germline.
Comment: Class 1 not pathogenic based on frequency >1% in an outbred sampleset. Frequency 0.0122 (African), derived from 1000 genomes (2012-04-30).

CeGaT Center for Human Genetics Tuebingen
Classification: Benign. Last evaluated: 2026-09-01. Review status: criteria provided, single submitter. Criteria: CeGaT Center For Human Genetics Tuebingen Variant Classification Criteria Version 2. Collection method: clinical testing. Allele origin: germline. Affected: yes. Observed: 5 variant alleles. Not counted in ClinVar's aggregate classification.
Comment: BRCA2: BP4, BS1, BS2

Labcorp Genetics (formerly Invitae), Labcorp
Classification: Benign for Hereditary breast ovarian cancer syndrome. Last evaluated: 2026-02-02. Review status: criteria provided, single submitter. Criteria: Invitae Variant Classification Sherloc (09022015). Collection method: clinical testing. Allele origin: germline. Not counted in ClinVar's aggregate classification.

Dasa
Classification: Benign for Breast-ovarian cancer, familial, susceptibility to, 2. Last evaluated: 2025-11-06. Review status: criteria provided, single submitter. Criteria: DASA Assertion Criteria. Collection method: clinical testing. Allele origin: germline. Not counted in ClinVar's aggregate classification.
Comment: NM_000059.4(BRCA2):c.4241C>T (p.Thr1414Met) is interpreted as benign based on a combination of available evidence, which may include population frequency, observations in unaffected individuals, intact protein function, lack of segregation with disease, in silico models, amino acid conservation, lack of disease association in case-control studies, and/or inconsistency with the known disease mechanism or impacted region. Based on the available data, this variant is classified as benign.

Center for Genomic Medicine, Rigshospitalet, Copenhagen University Hospital
Classification: Benign. Last evaluated: 2025-03-04. Review status: criteria provided, single submitter. Criteria: ACMG Guidelines, 2015. Collection method: clinical testing. Allele origin: germline. Not counted in ClinVar's aggregate classification.

ARUP Laboratories, Molecular Genetics and Genomics, ARUP Laboratories
Classification: Benign. Last evaluated: 2025-02-18. Review status: criteria provided, single submitter. Criteria: ARUP Molecular Germline Variant Investigation Process 2024. Collection method: clinical testing. Allele origin: germline. Not counted in ClinVar's aggregate classification.

KCCC/NGS Laboratory, Kuwait Cancer Control Center
Classification: Benign for Familial cancer of breast. Last evaluated: 2025-02-01. Review status: criteria provided, single submitter. Criteria: ACMG Guidelines, 2015. Collection method: clinical testing. Allele origin: germline. Affected: no. Not counted in ClinVar's aggregate classification.

Blueprint Genetics
Classification: Likely benign. Last evaluated: 2024-11-27. Review status: criteria provided, single submitter. Criteria: ACMG Guidelines, 2015. Collection method: clinical testing. Allele origin: germline. Not counted in ClinVar's aggregate classification.

All of Us Research Program, National Institutes of Health
Classification: Likely benign for BRCA2-related cancer predisposition. Last evaluated: 2024-09-23. Review status: criteria provided, single submitter. Criteria: ACMG Guidelines, 2015. Collection method: clinical testing. Allele origin: germline. Inheritance: Autosomal dominant inheritance. Observed: 211 variant alleles, 211 heterozygotes. Not counted in ClinVar's aggregate classification.
Comment: This study involves interpretation of variants in research participants for the purpose of population health screening. Participant phenotype was not available at the time of variant classification. Additional details can be found in publication PMID: 35346344, PMCID: PMC8962531

KCCC/NGS Laboratory, Kuwait Cancer Control Center
Classification: Benign for Breast-ovarian cancer, familial, susceptibility to, 2. Last evaluated: 2023-07-07. Review status: criteria provided, single submitter. Criteria: ACMG Guidelines, 2015. Collection method: clinical testing. Allele origin: germline. Affected: yes. Not counted in ClinVar's aggregate classification.

Institute for Biomarker Research, Medical Diagnostic Laboratories, L.L.C.
Classification: Benign for Hereditary breast ovarian cancer syndrome. Last evaluated: 2022-12-20. Review status: criteria provided, single submitter. Criteria: ACMG Guidelines, 2015. Collection method: clinical testing. Allele origin: germline. Not counted in ClinVar's aggregate classification.

National Health Laboratory Service, Universitas Academic Hospital and University of the Free State
Classification: Benign for Hereditary breast ovarian cancer syndrome. Last evaluated: 2021-11-16. Review status: criteria provided, single submitter. Criteria: ACMG Guidelines, 2015. Collection method: clinical testing. Allele origin: germline. Affected: yes. Observed: 2 variant alleles. Not counted in ClinVar's aggregate classification.

Genetic Services Laboratory, University of Chicago
Classification: Benign. Last evaluated: 2021-04-29. Review status: criteria provided, single submitter. Criteria: ACMG Guidelines, 2015. Collection method: clinical testing. Allele origin: germline. Affected: no. Not counted in ClinVar's aggregate classification.

Sema4
Classification: Benign for Hereditary cancer-predisposing syndrome. Last evaluated: 2020-10-20. Review status: criteria provided, single submitter. Criteria: Sema4 Curation Guidelines. Collection method: curation. Allele origin: germline. Not counted in ClinVar's aggregate classification.

Illumina Laboratory Services, Illumina
Classification: Likely benign for Breast-ovarian cancer, familial, susceptibility to, 2. Last evaluated: 2018-10-29. Review status: criteria provided, single submitter. Criteria: ICSL Variant Classification Criteria 13 December 2019. Collection method: clinical testing. Allele origin: germline. Not counted in ClinVar's aggregate classification.
Comment: This variant was observed as part of a predisposition screen in an ostensibly healthy population. A literature search was performed for the gene, cDNA change, and amino acid change (where applicable). Publications were found based on this search. The evidence from the literature, in combination with allele frequency data from public databases where available, was sufficient to determine this variant is unlikely to cause disease. Therefore, this variant is classified as likely benign.

Illumina Laboratory Services, Illumina
Classification: Likely benign for Fanconi anemia complementation group D1. Last evaluated: 2018-10-29. Review status: criteria provided, single submitter. Criteria: ICSL Variant Classification Criteria 13 December 2019. Collection method: clinical testing. Allele origin: germline. Not counted in ClinVar's aggregate classification.
Comment: This variant was observed as part of a predisposition screen in an ostensibly healthy population. A literature search was performed for the gene, cDNA change, and amino acid change (where applicable). No publications were found based on this search. Allele frequency data from public databases allowed determination this variant is unlikely to cause disease. Therefore, this variant is classified as likely benign.

Molecular Genetics Laboratory, University of Michigan
Classification: Benign for Breast-ovarian cancer, familial, susceptibility to, 2. Last evaluated: 2016-04-21. Review status: criteria provided, single submitter. Criteria: ACMG Guidelines, 2015. Collection method: clinical testing. Allele origin: germline. Affected: yes. Not counted in ClinVar's aggregate classification.

Fulgent Genetics
Classification: Likely benign for Breast-ovarian cancer, familial, susceptibility to, 2. Last evaluated: 2016-01-29. Review status: criteria provided, single submitter. Criteria: ACMG Guidelines, 2015. Collection method: clinical testing. Allele origin: unknown. Not counted in ClinVar's aggregate classification.

Vantari Genetics
Classification: Likely benign for Hereditary cancer-predisposing syndrome. Last evaluated: 2015-12-21. Review status: criteria provided, single submitter. Criteria: ACMG Guidelines, 2015. Collection method: clinical testing. Allele origin: germline. Not counted in ClinVar's aggregate classification.